The following is an entry in ClinVar:

ClinVar aggregate classification (germline): Uncertain significance. Review status: criteria provided, multiple submitters, no conflicts (2 of 4 stars). 2 submissions from 2 submitters: Uncertain significance (2). Last evaluated 2025-11-10.

Conditions:
Pheochromocytoma. Also called: MAX-Related Hereditary Paraganglioma-Pheochromocytoma Syndrome. Identifiers: Orphanet 29072, MedGen C0031511, MONDO:0008233, OMIM 171300, HP:0002666.
Paragangliomas with sensorineural hearing loss. Identifiers: MedGen C1868633.
Cowden syndrome 3 (CWS3). Identifiers: Orphanet 201, MedGen CN166604, MONDO:0014045.
Carney-Stratakis syndrome. Also called: PARAGANGLIOMA AND GASTROINTESTINAL STROMAL TUMOR. Identifiers: Orphanet 97286, MedGen C1847319, MONDO:0011740, OMIM 606864.
Hereditary cancer-predisposing syndrome. Also called: Hereditary neoplastic syndrome; Neoplastic Syndromes, Hereditary; Tumor predisposition; Hereditary Cancer Syndrome. Identifiers: Orphanet 140162, MedGen C0027672, MeSH D009386, MONDO:0015356.

Allele frequency attached by ClinVar (database versions not stated): gnomAD exomes below 0.00001.

Submissions (2):

Labcorp Genetics (formerly Invitae), Labcorp
Classification: Uncertain significance for Carney-Stratakis syndrome; Paragangliomas with sensorineural hearing loss; Pheochromocytoma; Cowden syndrome 3. Last evaluated: 2025-11-10. Review status: criteria provided, single submitter. Criteria: Invitae Variant Classification Sherloc (09022015). Collection method: clinical testing. Allele origin: germline.
Comment: This sequence change replaces proline, which is neutral and non-polar, with serine, which is neutral and polar, at codon 87 of the SDHD protein (p.Pro87Ser). This variant is present in population databases (no rsID available, gnomAD 0.0009%). This missense change has been observed in individual(s) with paraganglioma (PMID: 18561749). ClinVar contains an entry for this variant (Variation ID: 947286). Invitae Evidence Modeling of protein sequence and biophysical properties (such as structural, functional, and spatial information, amino acid conservation, physicochemical variation, residue mobility, and thermodynamic stability) indicates that this missense variant is expected to disrupt SDHD protein function with a positive predictive value of 95%. In summary, the available evidence is currently insufficient to determine the role of this variant in disease. Therefore, it has been classified as a Variant of Uncertain Significance.

Ambry Genetics
Classification: Uncertain significance for Hereditary cancer-predisposing syndrome. Last evaluated: 2025-02-27. Review status: criteria provided, single submitter. Criteria: Ambry Variant Classification Scheme 2023. Collection method: clinical testing. Allele origin: germline.
Comment: The p.P87S variant (also known as c.259C>T), located in coding exon 3 of the SDHD gene, results from a C to T substitution at nucleotide position 259. The proline at codon 87 is replaced by serine, an amino acid with similar properties. This alteration has been reported in an individual with a sporadic paraganglioma (Galera-Ruiz H et al. Anal Quant Cytol Histol, 2008 Apr;30:119-23). This amino acid position is highly conserved in available vertebrate species. In addition, this alteration is predicted to be deleterious by in silico analysis. Based on the available evidence, the clinical significance of this variant remains unclear.

Literature cited by the submitters: PubMed 18561749 (cited by Labcorp Genetics (formerly Invitae), Labcorp and Ambry Genetics).

NM_003002.4(SDHD):c.259C>T (p.Pro87Ser)

Gene: SDHD (succinate dehydrogenase complex subunit D; plus strand). Cytogenetic location: 11q23.1.
Variant type: single nucleotide variant.
Coding change: c.259C>T on transcript NM_003002.4 (MANE Select); coding-DNA position 259, C replaced by T.
Protein change: p.Pro87Ser; replaces proline 87 with serine.
Molecular consequence: missense variant. On other transcripts: non-coding transcript variant (1), intron variant (1).
Genome position (GRCh38, 1-based): chr11:112,088,956, C>T. VCF-style: chr11-112088956-C-T. GRCh37 (hg19) VCF-style: chr11-111959680-C-T.
Other names: c.259C>T (NM_003002.2); c.142C>T, p.Pro48Ser (NM_001276504.2); c.259C>T, p.Pro87Ser (NM_001276506.2); c.169+983C>T (NM_001276503.2); short protein forms P48S, P87S.
Identifiers: ClinVar variation 947286 (VCV000947286.12), dbSNP rs1279566824, ClinGen allele CA382617327.
Genomic context (GRCh38, chr11:112,088,956, plus strand): 5'-ACTAGCGAGAGGGTTGTCAGTGTTTTGCTCCTGGGTCTGCTTCCGGCTGCTTATTTGAAT[C>T]CTTGCTCTGCGATGGACTATTCCCTGGCTGCAGCCCTCACTCTTCATGGTCACTGGCAAG-3'
Protein context (NP_002993.1, residues 77-97): LGLLPAAYLN[Pro87Ser]CSAMDYSLAA